The following is an entry in ClinVar:

NM_002860.4(ALDH18A1):c.2143G>C (p.Asp715His)

Gene: ALDH18A1 (aldehyde dehydrogenase 18 family member A1; minus strand). Cytogenetic location: 10q24.1.
Variant type: single nucleotide variant.
Coding change: c.2143G>C on transcript NM_002860.4 (MANE Select); coding-DNA position 2143, G replaced by C.
Protein change: p.Asp715His; replaces aspartic acid 715 with histidine.
Molecular consequence: missense variant.
Genome position (GRCh38, 1-based): chr10:95,610,260, C>G on the plus strand (G>C on the coding strand, the complement: ALDH18A1 is on the minus strand). VCF-style: chr10-95610260-C-G. GRCh37 (hg19) VCF-style: chr10-97370017-C-G.
Other names: c.2137G>C, p.Asp713His (NM_001017423.2, NM_001323415.2); c.1810G>C, p.Asp604His (NM_001323412.2, NM_001323416.2); c.2143G>C, p.Asp715His (NM_001323413.2, NM_001323414.2); c.2038G>C, p.Asp680His (NM_001323417.2); c.1804G>C, p.Asp602His (NM_001323418.2); c.1507G>C, p.Asp503His (NM_001323419.2); short protein forms D715H, D680H, D604H, D713H, D602H, D503H.
Identifiers: ClinVar variation 217115 (VCV000217115.13), dbSNP rs752669339, ClinGen allele CA280922.

ClinVar aggregate classification (germline): Likely pathogenic. Review status: criteria provided, multiple submitters, no conflicts (2 of 4 stars). 4 submissions from 4 submitters: Likely pathogenic (3). 1 of the submissions does not count toward it. Last evaluated 2026-01-12.

Conditions:
ALDH18A1-related disorder. Also called: ALDH18A1-related disorders.
Cutis laxa, autosomal dominant 3 (ADCL3). Identifiers: Orphanet 90348, MedGen C4225268, MONDO:0014706, OMIM 616603.
Autosomal dominant spastic paraplegia type 9. Identifiers: MedGen C1832669, MONDO:0015091.
de Barsy syndrome. Also called: Cutis laxa-corneal clouding-oligophrenia syndrome. Identifiers: Orphanet 2962, MedGen C0268354, MONDO:0017569.
Autosomal recessive complex spastic paraplegia type 9B. Also called: Spastic paraplegia 9b, autosomal recessive. Identifiers: Orphanet 447760, MedGen C5568980, MONDO:0014702, OMIM 616586.

Allele frequency attached by ClinVar (database versions not stated): ExAC 0.00001; gnomAD 0.00001; gnomAD exomes 0.00001; TOPMed 0.00001.
gnomAD v4.1: 6 of 1,614,004 alleles (0.00037%); highest among the groups gnomAD compares: Non-Finnish European, 0.00051%; no homozygotes.

Submissions (4):

Labcorp Genetics (formerly Invitae), Labcorp
Classification: Likely pathogenic for Autosomal dominant spastic paraplegia type 9; de Barsy syndrome; Cutis laxa, autosomal dominant 3. Last evaluated: 2026-01-12. Review status: criteria provided, single submitter. Criteria: Invitae Variant Classification Sherloc (09022015). Collection method: clinical testing. Allele origin: germline.
Comment: This sequence change replaces aspartic acid, which is acidic and polar, with histidine, which is basic and polar, at codon 715 of the ALDH18A1 protein (p.Asp715His). This variant is present in population databases (rs752669339, gnomAD 0.003%). This missense change has been observed in individual(s) with autosomal recessive hereditary spastic paraplegia (PMID: 26026163). It has also been observed to segregate with disease in related individuals. ClinVar contains an entry for this variant (Variation ID: 217115). Invitae Evidence Modeling of protein sequence and biophysical properties (such as structural, functional, and spatial information, amino acid conservation, physicochemical variation, residue mobility, and thermodynamic stability) indicates that this missense variant is expected to disrupt ALDH18A1 protein function with a positive predictive value of 95%. In summary, the currently available evidence indicates that the variant is pathogenic, but additional data are needed to prove that conclusively. Therefore, this variant has been classified as Likely Pathogenic.

Blueprint Genetics
Classification: Likely pathogenic for ALDH18A1-related disorders. Last evaluated: 2023-05-12. Review status: criteria provided, single submitter. Criteria: ACMG Guidelines, 2015. Collection method: clinical testing. Allele origin: germline. Affected: yes. Observed: 2 variant alleles.

Centre for Mendelian Genomics, University Medical Centre Ljubljana
Classification: Likely pathogenic for Cutis laxa, autosomal dominant 3. Last evaluated: 2016-01-01. Review status: criteria provided, single submitter. Criteria: ACMG Guidelines, 2015. Collection method: clinical testing. Allele origin: unknown. Affected: yes.
Comment: This variant was classified as: Likely pathogenic. The following ACMG criteria were applied in classifying this variant: PS1,PM2,PP3,PP5.

OMIM
Classification: Pathogenic for SPASTIC PARAPLEGIA 9B, AUTOSOMAL RECESSIVE. Last evaluated: 2015-08-21. Review status: no assertion criteria provided. Collection method: literature only. Allele origin: germline. Not counted in ClinVar's aggregate classification.

Literature cited by the submitters: PubMed 26026163 (cited by Labcorp Genetics (formerly Invitae), Labcorp and OMIM); PubMed 26297558 (cited by OMIM).